The following is an entry in ClinVar:

ClinVar aggregate classification (germline): Pathogenic/Likely pathogenic. Review status: criteria provided, multiple submitters, no conflicts (2 of 4 stars). 2 submissions from 2 submitters: Pathogenic (1); Likely pathogenic (1). Last evaluated 2025-05-27.

Conditions:
Autosomal recessive limb-girdle muscular dystrophy type 2J (LGMDR10). Also called: MUSCULAR DYSTROPHY, LIMB-GIRDLE, AUTOSOMAL RECESSIVE 10; Limb-girdle muscular dystrophy, type 2J. Identifiers: Orphanet 140922, MedGen C1837342, MONDO:0012127, OMIM 608807.
Dilated cardiomyopathy 1G (CMD1G). Identifiers: Orphanet 154, MedGen C1858763, MONDO:0011400, OMIM 604145.

Submissions (2):

Labcorp Genetics (formerly Invitae), Labcorp
Classification: Likely pathogenic for Dilated cardiomyopathy 1G; Autosomal recessive limb-girdle muscular dystrophy type 2J. Last evaluated: 2025-05-27. Review status: criteria provided, single submitter. Criteria: Invitae Variant Classification Sherloc (09022015). Collection method: clinical testing. Allele origin: germline.
Comment: This sequence change creates a premature translational stop signal (p.Glu26291Lysfs*16) in the TTN gene. While this is not anticipated to result in nonsense mediated decay, it is expected to create a truncated TTN protein. This variant is not present in population databases (gnomAD no frequency). This variant has not been reported in the literature in individuals affected with TTN-related conditions. ClinVar contains an entry for this variant (Variation ID: 1722956). This variant is located in the A band of TTN (PMID: 25589632). Truncating variants in this region are significantly overrepresented in patients affected with dilated cardiomyopathy (PMID: 25589632). Truncating variants in this region have also been reported in individuals affected with autosomal recessive centronuclear myopathy (PMID: 23975875). In summary, the currently available evidence indicates that the variant is pathogenic, but additional data are needed to prove that conclusively. Therefore, this variant has been classified as Likely Pathogenic.

GeneDx
Classification: Pathogenic. Last evaluated: 2025-02-03. Review status: criteria provided, single submitter. Criteria: GeneDx Variant Classification Process June 2021. Collection method: clinical testing. Allele origin: germline. Affected: yes.
Comment: Has not been previously published as pathogenic or benign to our knowledge; Not observed at significant frequency in large population cohorts (gnomAD); Frameshift variant predicted to result in protein truncation or nonsense mediated decay in a gene for which loss of function is a known mechanism of disease; This variant is associated with the following publications: (PMID: 22335739, 32778822)

Literature cited by the submitters: PubMed 25589632 (cited by Labcorp Genetics (formerly Invitae), Labcorp); PubMed 23975875 (cited by Labcorp Genetics (formerly Invitae), Labcorp).

NM_001267550.2(TTN):c.78871del (p.Glu26291fs)

Genes: TTN-AS1 (TTN antisense RNA 1; plus strand), TTN (titin; minus strand). Cytogenetic location: 2q31.2.
Variant type: Deletion.
Coding change: c.78871del on transcript NM_001267550.2 (MANE Select); coding-DNA position 78871, one base deleted (G; older notation c.78871delG).
Protein change: p.Glu26291fs; shifts the reading frame from glutamic acid 26291.
Molecular consequence: frameshift variant.
Genome position (GRCh38, 1-based): chr2:178,567,261, C deleted on the plus strand (G on the coding strand, the reverse complement: TTN is on the minus strand). VCF-style (leftmost placement, unchanged base first): chr2-178567260-TC-T. GRCh37 (hg19) VCF-style: chr2-179431987-TC-T.
Other names: c.73948del, p.Glu24650fs (NM_001256850.1); c.78871delG, p.Glu26291Lysfs (NM_001267550.1); c.51676del, p.Glu17226fs (NM_003319.4); c.71167del, p.Glu23723fs (NM_133378.4); c.52051del, p.Glu17351fs (NM_133432.3); c.52252del, p.Glu17418fs (NM_133437.4); short protein forms E17226fs, E17351fs, E17418fs, E23723fs, E24650fs, E26291fs.
Identifiers: ClinVar variation 1722956 (VCV001722956.4), dbSNP rs2468316872, ClinGen allele CA2577170604.